The following is an entry in ClinVar:

ClinVar aggregate classification (germline): Pathogenic. Review status: criteria provided, multiple submitters, no conflicts (2 of 4 stars). 2 submissions from 2 submitters: Pathogenic (2). Last evaluated 2026-09-08.

Conditions:
Fabry disease. Also called: Ceramide trihexosidosis; GLA DEFICIENCY; HEREDITARY DYSTOPIC LIPIDOSIS; Angiokeratoma corporis diffusum; Fabry's disease; ALPHA-GALACTOSIDASE A DEFICIENCY. Identifiers: Orphanet 324, MedGen C0002986, MONDO:0010526, OMIM 301500, HP:0001071. Disease mechanism: Fabry disease is due to inactivating mutations in the X-linked GLA gene resulting in deficiency of the enzyme Alpha Galactosidase-A., loss of function.

Submissions (2):

Genomenon, Inc
Classification: Pathogenic for Fabry disease. Last evaluated: 2026-09-08. Review status: criteria provided, single submitter. Criteria: Genomenon Sequence Variant Interpretation Standards - Updated. Collection method: curation. Allele origin: germline. Affected: yes.
Comment: GLA p.Met1? (c.2T>A) is a variant that disrupts the initiation codon leading to an altered or absent protein product. This variant has been observed in at least one proband with clinical features consistent with Fabry disease (PMID:31956509;33250492). At least one functional study has demonstrated a substantial alteration in protein function relative to the wild-type (PMID:27657681). It is absent or not present at a significant frequency in gnomAD. In conclusion, we classify GLA p.Met1? (c.2T>A) as a pathogenic variant.

Mendelics
Classification: Pathogenic for Fabry disease. Last evaluated: 2022-05-04. Review status: criteria provided, single submitter. Criteria: Mendelics Assertion Criteria 2019. Collection method: clinical testing. Allele origin: germline.

Literature cited by the submitters: PubMed 31956509 (cited by Genomenon, Inc); PubMed 33250492 (cited by Genomenon, Inc); PubMed 27657681 (cited by Genomenon, Inc).

NM_000169.3(GLA):c.2T>A (p.Met1Lys)

Genes: GLA (galactosidase alpha; minus strand), RPL36A-HNRNPH2 (RPL36A-HNRNPH2 readthrough; plus strand). Cytogenetic location: Xq22.1.
Variant type: single nucleotide variant.
Coding change: c.2T>A on transcript NM_000169.3 (MANE Select); coding-DNA position 2, T replaced by A.
Protein change: p.Met1Lys; changes the start codon (methionine 1).
Molecular consequence: missense variant, initiator codon variant. On other transcripts: non-coding transcript variant (3), intron variant (2).
Genome position (GRCh38, 1-based): chrX:101,407,902, A>T on the plus strand (T>A on the coding strand, the complement: GLA is on the minus strand). VCF-style: chrX-101407902-A-T. GRCh37 (hg19) VCF-style: chrX-100662890-A-T.
Other names: c.2T>A, p.Met1Lys (NM_001406747.1, NM_001406748.1, NM_001406749.1); c.301-4034A>T (NM_001199973.2); c.178-4034A>T (NM_001199974.2); short protein forms M1K.
Identifiers: ClinVar variation 1323013 (VCV001323013.5), dbSNP rs1555987232, ClinGen allele CA413937946.